The following is an entry in ClinVar:

NM_018163.3(DNAJC17):c.59A>C (p.Glu20Ala)

Genes: DNAJC17 (DnaJ heat shock protein family (Hsp40) member C17; minus strand), ZFYVE19 (zinc finger FYVE-type containing 19; plus strand). Cytogenetic location: 15q15.1.
Variant type: single nucleotide variant.
Coding change: c.59A>C on transcript NM_018163.3 (MANE Select); coding-DNA position 59, A replaced by C.
Protein change: p.Glu20Ala; replaces glutamic acid 20 with alanine.
Molecular consequence: missense variant. On other transcripts: 5 prime UTR variant (3).
Genome position (GRCh38, 1-based): chr15:40,807,388, T>G on the plus strand (A>C on the coding strand, the complement: DNAJC17 is on the minus strand). VCF-style: chr15-40807388-T-G. GRCh37 (hg19) VCF-style: chr15-41099586-T-G.
Other names: c.-202T>G (NM_001077268.2, NM_001258420.2); c.-530T>G (NM_001258421.2); c.100T>G, p.Ser34Ala (NM_032850.5); short protein forms E20A, S34A.
Identifiers: ClinVar variation 1944826 (VCV001944826.5), dbSNP rs2504707191, ClinGen allele CA391753257.

ClinVar aggregate classification (germline): Uncertain significance (1 of 4 stars; one submission).

Allele frequency attached by ClinVar (database versions not stated): gnomAD exomes below 0.00001.
gnomAD v4.1: 1 of 1,614,268 alleles (0.000062%); highest among the groups gnomAD compares: Admixed American, 0.0017%; no homozygotes.

Submission:

Labcorp Genetics (formerly Invitae), Labcorp
Classification: Uncertain significance. Last evaluated: 2022-10-04. Review status: criteria provided, single submitter. Criteria: Invitae Variant Classification Sherloc (09022015). Collection method: clinical testing. Allele origin: germline.
Comment: This variant is not present in population databases (gnomAD no frequency). This sequence change replaces glutamic acid, which is acidic and polar, with alanine, which is neutral and non-polar, at codon 20 of the DNAJC17 protein (p.Glu20Ala). This variant has not been reported in the literature in individuals affected with DNAJC17-related conditions. Algorithms developed to predict the effect of missense changes on protein structure and function (SIFT, PolyPhen-2, Align-GVGD) all suggest that this variant is likely to be tolerated. In summary, the available evidence is currently insufficient to determine the role of this variant in disease. Therefore, it has been classified as a Variant of Uncertain Significance.